The following is an entry in ClinVar:

ClinVar aggregate classification (germline): Benign (1 of 4 stars; one submission).

Allele frequency attached by ClinVar (database versions not stated): gnomAD 0.20847 and 0.21408; TOPMed 0.23182; 1000 Genomes Project 0.24601; 1000 Genomes Project 30x 0.25047.
gnomAD v4.1: 31,825 of 152,234 alleles (21%); highest among the groups gnomAD compares: African/African-American, 39%; 4,463 homozygotes.

Submission:

GeneDx
Classification: Benign. Last evaluated: 2018-06-15. Review status: criteria provided, single submitter. Criteria: GeneDx Variant Classification (06012015). Collection method: clinical testing. Allele origin: germline. Affected: yes.
Comment: This variant is considered likely benign or benign based on one or more of the following criteria: it is a conservative change, it occurs at a poorly conserved position in the protein, it is predicted to be benign by multiple in silico algorithms, and/or has population frequency not consistent with disease.

NM_024334.3(TMEM43):c.12+167C>T

Gene: TMEM43 (transmembrane protein 43; plus strand). Cytogenetic location: 3p25.1.
Variant type: single nucleotide variant.
Coding change: c.12+167C>T on transcript NM_024334.3 (MANE Select); 167 bases into the intron after coding-DNA position 12, C replaced by T.
Molecular consequence: intron variant.
Genome position (GRCh38, 1-based): chr3:14,125,372, C>T. VCF-style: chr3-14125372-C-T. GRCh37 (hg19) VCF-style: chr3-14166872-C-T.
Identifiers: ClinVar variation 672172 (VCV000672172.1), dbSNP rs2733580, ClinGen allele CA11524363.